The following is an entry in ClinVar:

ClinVar aggregate classification (germline): Pathogenic/Likely pathogenic. Review status: criteria provided, multiple submitters, no conflicts (2 of 4 stars). 14 submissions from 14 submitters: Pathogenic (5); Likely pathogenic (6). 3 of the submissions do not count toward it. Last evaluated 2026-04-14.

Conditions:
Hereditary cancer-predisposing syndrome. Also called: Hereditary neoplastic syndrome; Tumor predisposition; Neoplastic Syndromes, Hereditary; Hereditary Cancer Syndrome. Identifiers: Orphanet 140162, MedGen C0027672, MeSH D009386, MONDO:0015356.
Hereditary breast ovarian cancer syndrome. Also called: BRCA1- and BRCA2-Associated Hereditary Breast and Ovarian Cancer; Hereditary breast and/or ovarian cancer syndrome; Hereditary breast and ovarian cancer syndrome (HBOC); Breast and ovarian cancer; Hereditary breast and ovarian cancer syndrome; Hereditary breast and ovarian cancer. Identifiers: Orphanet 145, MedGen C0677776, MeSH D061325, MONDO:0003582. Disease mechanism: loss of function.
BRCA2-related disorder. Also called: BRCA2-related condition; BRCA2-related disorders. Identifiers: MedGen CN239275.
Fanconi anemia complementation group D1. Also called: BRCA2-Related Fanconi Anemia. Identifiers: Orphanet 319462, MedGen C1838457, MONDO:0011584, OMIM 605724.
Breast-ovarian cancer, familial, susceptibility to, 2 (BROVCA2). Also called: BRCA2 Hereditary Breast and Ovarian Cancer. Identifiers: Orphanet 145, MedGen C2675520, MONDO:0012933, OMIM 612555. Disease mechanism: loss of function.

Submissions 1 to 7 of 14:

German Consortium for Hereditary Breast and Ovarian Cancer, University Hospital Cologne
Classification: Likely pathogenic for Hereditary breast ovarian cancer syndrome. Last evaluated: 2026-04-14. Review status: criteria provided, single submitter. Criteria: ClinGen BRCA2 1.2.0. Collection method: curation. Allele origin: germline.
Comment: This classification follows the ClinGen ENIGMA BRCA2 v1.2.0 classification scheme; We chose these criteria: PS3 (strong pathogenic): Reported by two calibrated studies to exhibit protein function similar to pathogenic control variants (PMIDs:33609447, 32444794); +PMIDs 38417439 PS3, 39779857 Sup, 39779848 VSTR, PM2 (supporting pathogenic): absent from gnomAD v2/3/4, PM3 (medium pathogenic): Hirsch (2004, PMID: 14670928): Twi siblings with phenotype consistent with BRCA2-related FA; in trans with pathogenic variant c.4648G>T (p.E1550*), PP3 (supporting pathogenic): BayesDel (no AF) = 0.445343 (thus >0.30)

Ambry Genetics
Classification: Pathogenic for Hereditary cancer-predisposing syndrome. Last evaluated: 2025-11-12. Review status: criteria provided, single submitter. Criteria: Ambry Variant Classification Scheme 2023. Collection method: clinical testing. Allele origin: germline.
Comment: The c.7529T>C (p.L2510P) alteration (also known as c.7529T>C) is located in exon 15 (coding exon 14) of the BRCA2 gene. This alteration results from a T to C substitution at nucleotide position 7529, causing the leucine (L) at amino acid position 2510 to be replaced by a proline (P). However, because this variant is identified in one or more patients with Fanconi Anemia it may be hypomorphic and thus, carriers of this variant and their families may present with reduced risks, and not with the typical clinical characteristics of a high-risk pathogenic BRCA2 alteration. As risk estimates are unknown at this time, clinical correlation is advised. This variant was not reported in population-based cohorts in the Genome Aggregation Database (gnomAD). This alteration has been detected in two siblings with Fanconi anemia (FA) in trans with a BRCA2 pathogenic mutation (Hirsch, 2004; Alter, 2007). This amino acid position is highly conserved in available vertebrate species. Using a mouse embryonic stem cell-based functional assay and homologous recombination-mediated DNA repair (HDR) assays, this alteration has been shown to have hypersensitivity to different DNA-damaging agents, deficiency in RAD51 foci formation and homologous recombination efficiency, increased chromosomal aberrations, and reduced binding to an essential cofactor, DSS1 (Biswas, 2011; Guidugli, 2013; Guidugli, 2018; Hart, 2019). This alteration is predicted to be deleterious by in silico analysis. Based on the available evidence, this alteration is classified as pathogenic.

Labcorp Genetics (formerly Invitae), Labcorp
Classification: Pathogenic for Hereditary breast ovarian cancer syndrome. Last evaluated: 2025-08-24. Review status: criteria provided, single submitter. Criteria: Invitae Variant Classification Sherloc (09022015). Collection method: clinical testing. Allele origin: germline.
Comment: This sequence change replaces leucine, which is neutral and non-polar, with proline, which is neutral and non-polar, at codon 2510 of the BRCA2 protein (p.Leu2510Pro). This variant is not present in population databases (gnomAD no frequency). This missense change has been observed in individual(s) with Fanconi anemia (PMID: 14670928). In at least one individual the data is consistent with being in trans (on the opposite chromosome) from a pathogenic variant. It has also been observed to segregate with disease in related individuals. ClinVar contains an entry for this variant (Variation ID: 9345). Invitae Evidence Modeling incorporating data from in vitro experimental studies (PMID: 33609447) indicates that this missense variant is expected to disrupt BRCA2 function with a positive predictive value of 95%. Experimental studies have shown that this missense change affects BRCA2 function (PMID: 21719596, 23108138, 29394989). For these reasons, this variant has been classified as Pathogenic.

Institute for Genomic Medicine (IGM) Clinical Laboratory, Nationwide Children's Hospital
Classification: Pathogenic for Hereditary cancer-predisposing syndrome. Last evaluated: 2025-06-04. Review status: criteria provided, single submitter. Criteria: ACMG Guidelines, 2015. Collection method: clinical testing. Allele origin: germline.
Comment: Well-established functional studies have demonstrated this variant to have a damaging effect on protein function or splicing (ACMG/AMP: PS3; PMIDs:33609447, 29394989, 29884841, 23108138, 21719596). This variant has been reported at an elevated frequency in affected individuals/in multiple affected individuals in the literature (ACMG/AMP: PS4_Moderate; PMIDs:33302456, 32957395, 14670928). This variant is absent from or present at an exceedingly low frequency in gnomAD, a large-scale control population database (ACMG/AMP: PM2). This variant has been observed in trans with a pathogenic variant (ACMG/AMP: PM3; PMID:14670928). This variant is predicted to alter protein function or structure, or disrupt splicing by multiple in silico tools (ACMG/AMP: PP3).

Women's Health and Genetics/Laboratory Corporation of America, LabCorp
Classification: Likely pathogenic for Hereditary breast ovarian cancer syndrome. Last evaluated: 2024-07-09. Review status: criteria provided, single submitter. Criteria: LabCorp Variant Classification Summary - May 2015. Collection method: clinical testing. Allele origin: germline.
Comment: Variant summary: BRCA2 c.7529T>C (p.Leu2510Pro) results in a non-conservative amino acid change in the encoded protein sequence. Five of five in-silico tools predict a damaging effect of the variant on protein function. The variant was absent in 251352 control chromosomes. c.7529T>C has been reported in the literature in individuals affected with Faconi Anemia/Wilms tumor/Leukemia, Breast Cancer, and HBV infection/hepatic cancer (Hirsch_2004, Lovejoy_2020, Zhao_2020). A large case-control study evaluating breast cancer genetic risk also reported this variant was enriched in the case cohorts (Dorling_2021). These data indicate that the variant may be associated with disease. At least one publication reports experimental evidence evaluating an impact on protein function. The most pronounced variant effect results in losss of BRCA2 protein in patients cells carrying the current variant and a nonsense variant, and deleterious HDR by a gold-standard HDR assay (Hirsch_2004, Hu_2022). The following publications have been ascertained in the context of this evaluation (PMID: 16825431, 21719596, 14670928, 35736817, 33302456, 36721989, 32957395, 33471991). ClinVar contains an entry for this variant (Variation ID: 9345). Based on the evidence outlined above, the variant was classified as likely pathogenic.

Blueprint Genetics
Classification: Likely pathogenic for BRCA2-related disorders. Last evaluated: 2024-07-05. Review status: criteria provided, single submitter. Criteria: ACMG Guidelines, 2015. Collection method: clinical testing. Allele origin: germline. Affected: yes. Observed: 1 variant allele.

All of Us Research Program, National Institutes of Health
Classification: Likely pathogenic for Breast-ovarian cancer, familial, susceptibility to, 2. Last evaluated: 2023-08-08. Review status: criteria provided, single submitter. Criteria: ACMG Guidelines, 2015. Collection method: clinical testing. Allele origin: germline. Inheritance: Autosomal dominant inheritance. Observed: 1 variant allele, 1 heterozygote.
Comment: This missense variant replaces leucine with proline at codon 2510 of the BRCA2 protein. Computational prediction suggests that this variant may have deleterious impact on protein structure and function (internally defined REVEL score threshold >= 0.7, PMID: 27666373). Functional studies have reported that this variant impacts BRCA2 function in a homology-directed repair assay (PMID: 23108138, 29394989, 29884841, 33609447) and severely disrupts BRCA2 function in the rescue of viability, chromosomal aberrations and sensitivities to DNA damaging agents in Brca2-deficient mouse embryonic stem cells (PMID: 21719596). However, a mouse model for this missense mutation and aforementioned mouse ES cell study suggest that this variant protein retains some activity and may be hypomorphic (PMID: 21719596, 35365640). This variant has been reported in one individual each affected with breast cancer (PMID: 33302456) and liver cancer (PMID: 32957395), and it has been detected in a breast cancer case-control meta-analysis in 3/60466 cases and 1/53461 unaffected individuals (PMID: 33471991; Leiden Open Variation Database DB-ID BRCA2_000205). This variant also has been reported in two siblings affected with biallelic Fanconi anemia who carried a pathogenic BRCA2 truncation variant in trans (PMID: 14670928). This variant has not been identified in the general population by the Genome Aggregation Database (gnomAD). Based on the available evidence, this variant is classified as Likely Pathogenic.

This study involves interpretation of variants in research participants for the purpose of population health screening. Participant phenotype was not available at the time of variant classification. Additional details can be found in publication PMID: 35346344, PMCID: PMC8962531

NM_000059.4(BRCA2):c.7529T>C (p.Leu2510Pro)

Gene: BRCA2 (BRCA2 DNA repair associated; plus strand). Cytogenetic location: 13q13.1.
Variant type: single nucleotide variant.
Coding change: c.7529T>C on transcript NM_000059.4 (MANE Select); coding-DNA position 7529, T replaced by C.
Protein change: p.Leu2510Pro; replaces leucine 2510 with proline.
Molecular consequence: missense variant.
Genome position (GRCh38, 1-based): chr13:32,356,521, T>C. VCF-style: chr13-32356521-T-C. GRCh37 (hg19) VCF-style: chr13-32930658-T-C.
Other names: short protein forms L2510P.
Identifiers: ClinVar variation 9345 (VCV000009345.25), dbSNP rs80358979, ClinGen allele CA025134.